The following is an entry in ClinVar:

NM_001303256.3(MORC2):c.63A>G (p.Thr21=)

Gene: MORC2 (MORC family CW-type zinc finger 2; minus strand). Cytogenetic location: 22q12.2.
Variant type: single nucleotide variant.
Coding change: c.63A>G on transcript NM_001303256.3 (MANE Select); coding-DNA position 63, A replaced by G.
Protein change: p.Thr21=; no amino-acid change (threonine 21 retained).
Molecular consequence: synonymous variant. On other transcripts: 5 prime UTR variant (1).
Genome position (GRCh38, 1-based): chr22:30,967,827, T>C on the plus strand (A>G on the coding strand, the complement: MORC2 is on the minus strand). VCF-style: chr22-30967827-T-C. GRCh37 (hg19) VCF-style: chr22-31363813-T-C.
Other names: p.Thr21=; c.63A>G, p.Thr21= (NM_001303257.2); c.-990A>G (NM_014941.3).
Identifiers: ClinVar variation 766527 (VCV000766527.55), dbSNP rs73156742, ClinGen allele CA10187377.

ClinVar aggregate classification (germline): Benign/Likely benign. Review status: criteria provided, multiple submitters, no conflicts (2 of 4 stars). 12 submissions from 11 submitters: Benign (5); Likely benign (5). 2 of the submissions do not count toward it. Last evaluated 2026-08-01.

Conditions:
Developmental delay, impaired growth, dysmorphic facies, and axonal neuropathy. Identifiers: MedGen C5436781, MONDO:0030835, OMIM 619090.
Charcot-Marie-Tooth disease axonal type 2Z. Also called: CHARCOT-MARIE-TOOTH DISEASE, AXONAL, AUTOSOMAL DOMINANT, TYPE 2Z; CHARCOT-MARIE-TOOTH NEUROPATHY, TYPE 2Z. Identifiers: Orphanet 466768, MedGen C5569025, MONDO:0014736, OMIM 616688.
MORC2-related disorder. Also called: MORC2-related condition.

Allele frequency attached by ClinVar (database versions not stated): 1000 Genomes Project 0.00120; 1000 Genomes Project 30x 0.00125; ExAC 0.00212; gnomAD 0.00220 and 0.00230; TOPMed 0.00229; gnomAD exomes 0.00236 and 0.00318.
gnomAD v4.1: 4,792 of 1,551,140 alleles (0.31%); highest among the groups gnomAD compares: Non-Finnish European, 0.35%; 12 homozygotes.

Submissions (12):

CeGaT Center for Human Genetics Tuebingen
Classification: Likely benign. Last evaluated: 2026-08-01. Review status: criteria provided, single submitter. Criteria: CeGaT Center For Human Genetics Tuebingen Variant Classification Criteria Version 2. Collection method: clinical testing. Allele origin: germline. Affected: yes. Observed: 14 variant alleles.
Comment: MORC2: BP4, BP7, BS1

Labcorp Genetics (formerly Invitae), Labcorp
Classification: Benign for Charcot-Marie-Tooth disease axonal type 2Z. Last evaluated: 2026-01-25. Review status: criteria provided, single submitter. Criteria: Invitae Variant Classification Sherloc (09022015). Collection method: clinical testing. Allele origin: germline.

PreventionGenetics, part of Exact Sciences
Classification: Likely benign for MORC2-related condition. Last evaluated: 2025-03-12. Review status: criteria provided, single submitter. Criteria: ACMG Guidelines, 2015. Collection method: clinical testing. Allele origin: germline.
Comment: This variant is classified as likely benign based on ACMG/AMP sequence variant interpretation guidelines (Richards et al. 2015 PMID: 25741868, with internal and published modifications).

Blueprint Genetics
Classification: Likely benign. Last evaluated: 2024-11-18. Review status: criteria provided, single submitter. Criteria: ACMG Guidelines, 2015. Collection method: clinical testing. Allele origin: germline.

ARUP Laboratories, Molecular Genetics and Genomics, ARUP Laboratories
Classification: Likely benign. Last evaluated: 2023-11-07. Review status: criteria provided, single submitter. Criteria: ARUP Molecular Germline Variant Investigation Process 2024. Collection method: clinical testing. Allele origin: germline.

Mayo Clinic Laboratories, Mayo Clinic
Classification: Benign. Last evaluated: 2023-09-29. Review status: criteria provided, single submitter. Criteria: ACMG Guidelines, 2015. Collection method: clinical testing. Allele origin: germline. Observed: 4 variant alleles.
Comment: BS1, BS2, BP4, BP7

Genome-Nilou Lab
Classification: Benign for Charcot-Marie-Tooth disease axonal type 2Z. Last evaluated: 2022-03-15. Review status: criteria provided, single submitter. Criteria: ACMG Guidelines, 2015. Collection method: clinical testing. Allele origin: germline. Affected: no.

Genome-Nilou Lab
Classification: Benign for Developmental delay, impaired growth, dysmorphic facies, and axonal neuropathy. Last evaluated: 2022-03-15. Review status: criteria provided, single submitter. Criteria: ACMG Guidelines, 2015. Collection method: clinical testing. Allele origin: germline. Affected: no.

GeneDx
Classification: Benign. Last evaluated: 2019-02-18. Review status: criteria provided, single submitter. Criteria: GeneDx Variant Classification Process June 2021. Collection method: clinical testing. Allele origin: germline. Affected: yes.

Breakthrough Genomics
Classification: Likely benign. Review status: criteria provided, single submitter. Criteria: ACMG Guidelines, 2015. Collection method: not provided. Allele origin: germline. Inheritance: Autosomal dominant inheritance. Affected: yes.

Clinical Genetics, Academic Medical Center
Classification: Benign. Review status: no assertion criteria provided. Collection method: clinical testing. Allele origin: germline. Affected: yes. Study: VKGL Data-share Consensus. Not counted in ClinVar's aggregate classification.

Genome Diagnostics Laboratory, University Medical Center Utrecht
Classification: Likely benign. Review status: no assertion criteria provided. Collection method: clinical testing. Allele origin: germline. Affected: yes. Study: VKGL Data-share Consensus. Not counted in ClinVar's aggregate classification.